The following is an entry in ClinVar:

ClinVar aggregate classification (germline): Uncertain significance (1 of 4 stars; one submission).

Conditions:
Mosaic variegated aneuploidy syndrome 1 (MVA1). Also called: Warburton-Anyane-Yeboa syndrome. Identifiers: Orphanet 1052, MedGen C1850343, MONDO:0009759, OMIM 257300.

Submission:

Labcorp Genetics (formerly Invitae), Labcorp
Classification: Uncertain significance for Mosaic variegated aneuploidy syndrome 1. Last evaluated: 2020-08-06. Review status: criteria provided, single submitter. Criteria: Invitae Variant Classification Sherloc (09022015). Collection method: clinical testing. Allele origin: germline.
Comment: This variant has not been reported in the literature in individuals with BUB1B-related conditions. In summary, the available evidence is currently insufficient to determine the role of this variant in disease. Therefore, it has been classified as a Variant of Uncertain Significance. Algorithms developed to predict the effect of missense changes on protein structure and function (SIFT, PolyPhen-2, Align-GVGD) all suggest that this variant is likely to be tolerated, but these predictions have not been confirmed by published functional studies and their clinical significance is uncertain. This variant is not present in population databases (ExAC no frequency). This sequence change replaces glycine with arginine at codon 1045 of the BUB1B protein (p.Gly1045Arg). The glycine residue is weakly conserved and there is a moderate physicochemical difference between glycine and arginine.

NM_001211.6(BUB1B):c.3133G>C (p.Gly1045Arg)

Genes: BUB1B (BUB1 mitotic checkpoint serine/threonine kinase B; plus strand), BUB1B-PAK6 (BUB1B-PAK6 readthrough; plus strand). Cytogenetic location: 15q15.1.
Variant type: single nucleotide variant.
Coding change: c.3133G>C on transcript NM_001211.6 (MANE Select); coding-DNA position 3133, G replaced by C.
Protein change: p.Gly1045Arg; replaces glycine 1045 with arginine.
Molecular consequence: missense variant. On other transcripts: intron variant (2).
Genome position (GRCh38, 1-based): chr15:40,220,739, G>C. VCF-style: chr15-40220739-G-C. GRCh37 (hg19) VCF-style: chr15-40512940-G-C.
Other names: c.-201+3072G>C (NM_001128628.3); c.-118+3072G>C (NM_001128629.3); short protein forms G1045R.
Identifiers: ClinVar variation 1060492 (VCV001060492.9), dbSNP rs2140914939, ClinGen allele CA391690564.